The following is an entry in ClinVar:

ClinVar aggregate classification (germline): Benign. Review status: criteria provided, single submitter (1 of 4 stars). 2 submissions from 2 submitters: Benign (1). 1 of the submissions does not count toward it. Last evaluated 2024-08-15.

Conditions:
HIVEP2-related disorder. Also called: HIVEP2-related condition.

Allele frequency attached by ClinVar (database versions not stated): gnomAD 0.00003; TOPMed 0.00003; gnomAD exomes 0.00004; ExAC 0.00012.
gnomAD v4.1: 59 of 1,614,092 alleles (0.0037%); highest among the groups gnomAD compares: South Asian, 0.027%; no homozygotes.

Submissions (2):

Labcorp Genetics (formerly Invitae), Labcorp
Classification: Benign. Last evaluated: 2024-08-15. Review status: criteria provided, single submitter. Criteria: Invitae Variant Classification Sherloc (09022015). Collection method: clinical testing. Allele origin: germline.

PreventionGenetics, part of Exact Sciences
Classification: Likely benign for HIVEP2-related condition. Last evaluated: 2019-04-03. Review status: no assertion criteria provided. Collection method: clinical testing. Allele origin: germline. Not counted in ClinVar's aggregate classification.
Comment: This variant is classified as likely benign based on ACMG/AMP sequence variant interpretation guidelines (Richards et al. 2015 PMID: 25741868, with internal and published modifications).

NM_006734.4(HIVEP2):c.1719C>T (p.Ser573=)

Gene: HIVEP2 (HIVEP zinc finger 2; minus strand). Cytogenetic location: 6q24.2.
Variant type: single nucleotide variant.
Coding change: c.1719C>T on transcript NM_006734.4 (MANE Select); coding-DNA position 1719, C replaced by T.
Protein change: p.Ser573=; no amino-acid change (serine 573 retained).
Molecular consequence: synonymous variant.
Genome position (GRCh38, 1-based): chr6:142,773,020, G>A on the plus strand (C>T on the coding strand, the complement: HIVEP2 is on the minus strand). VCF-style: chr6-142773020-G-A. GRCh37 (hg19) VCF-style: chr6-143094157-G-A.
Identifiers: ClinVar variation 3037203 (VCV003037203.4), dbSNP rs747664894, ClinGen allele CA4028554.
Genomic context (GRCh38, chr6:142,773,020, plus strand): 5'-TTGTCTTCTTAGCATGCGCTGAGGGGGTATGCCCACGGTCCCTGGATAGAATACATCGTC[G>A]GAACCAGTCATCCTTTCATCAAATGAGTGACTTCCTCTCAAAGAAGGAGGAATAGTTAGA-3'
Protein context (NP_006725.3, residues 563-583): SHSFDERMTG[Ser573=]DDVFYPGTVG